The following is an entry in ClinVar:

ClinVar aggregate classification (germline): Pathogenic (1 of 4 stars; one submission).

Conditions:
Cohen syndrome (COH1). Also called: PEPPER SYNDROME; Cutis verticis gyrata, retinitis pigmentosa, and sensorineural deafness. Identifiers: Orphanet 193, MedGen C0265223, MONDO:0008999, OMIM 216550.

Submission:

Myriad Genetics, Inc.
Classification: Pathogenic for Cohen syndrome. Last evaluated: 2023-12-08. Review status: criteria provided, single submitter. Criteria: Myriad Autosomal Dominant, Autosomal Recessive and X-Linked Classification Criteria (2023). Collection method: clinical testing. Allele origin: unknown.
Comment: NM_017890.4(VPS13B):c.8347G>T(E2783*) is expected to be pathogenic in the context of Cohen syndrome. This variant is predicted to lead to an abnormal or absent protein product due to the creation of a premature termination codon in VPS13B, a gene where loss-of-function variants are known to be pathogenic. Please note: this variant was assessed in the context of healthy population screening.

NM_152564.5(VPS13B):c.8272G>T (p.Glu2758Ter)

Gene: VPS13B (vacuolar protein sorting 13 homolog B; plus strand). Cytogenetic location: 8q22.2.
Variant type: single nucleotide variant.
Coding change: c.8272G>T on transcript NM_152564.5 (MANE Select); coding-DNA position 8272, G replaced by T.
Protein change: p.Glu2758Ter; replaces glutamic acid 2758 with a stop codon.
Molecular consequence: nonsense.
Genome position (GRCh38, 1-based): chr8:99,817,714, G>T. VCF-style: chr8-99817714-G-T. GRCh37 (hg19) VCF-style: chr8-100829942-G-T.
Other names: c.8347G>T, p.Glu2783Ter (NM_017890.5); short protein forms E2758*, E2783*.
Identifiers: ClinVar variation 5012548 (VCV005012548.1).